The following is an entry in ClinVar:

NC_012920.1(MT-CYB):m.15501A>G

Gene: MT-CYB (mitochondrially encoded cytochrome b; plus strand).
Variant type: single nucleotide variant.
Genome position: chrM-15501-A-G.
Identifiers: ClinVar variation 693894 (VCV000693894.1), dbSNP rs1603225319, ClinGen allele CA913174041.

ClinVar aggregate classification (germline): Uncertain significance (1 of 4 stars; one submission).

Conditions:
Leigh syndrome (NULS). Also called: Leigh's necrotizing encephalopathy; Leigh's disease; Leigh's syndrome; LEIGH SYNDROME, NUCLEAR; Leigh Syndrome (mtDNA deletion); Leigh Disease. Identifiers: Orphanet 506, MedGen C2931891, MONDO:0009723, OMIM 256000.

Submission:

Wong Mito Lab, Molecular and Human Genetics, Baylor College of Medicine
Classification: Uncertain significance for Leigh syndrome. Last evaluated: 2019-10-17. Review status: criteria provided, single submitter. Criteria: Modified ACMG Guidelines (Unpublished). Collection method: clinical testing. Allele origin: germline.
Comment: The NC_012920.1:m.15501A>G (YP_003024038.1:p.Asp252Gly) variant in MTCYB gene is interpretated to be a Uncertain Significance variant based on the modified ACMG guidelines (unpublished). This variant meets the following evidence codes: PP6, PP7